The following is an entry in ClinVar:

ClinVar aggregate classification (germline): Pathogenic (1 of 4 stars; one submission).

Conditions:
Spondyloepiphyseal dysplasia with congenital joint dislocations (SEDCJD). Also called: Chondrodysplasia with Congenital Joint Dislocations, CHST3-Related. Identifiers: Orphanet 263463, MedGen C1837657, MONDO:0007738, OMIM 143095.

Submission:

Labcorp Genetics (formerly Invitae), Labcorp
Classification: Pathogenic for Spondyloepiphyseal dysplasia with congenital joint dislocations. Last evaluated: 2024-01-10. Review status: criteria provided, single submitter. Criteria: Invitae Variant Classification Sherloc (09022015). Collection method: clinical testing. Allele origin: germline.
Comment: This sequence change creates a premature translational stop signal (p.Thr171Serfs*148) in the CHST3 gene. While this is not anticipated to result in nonsense mediated decay, it is expected to disrupt the last 309 amino acid(s) of the CHST3 protein. This variant is not present in population databases (gnomAD no frequency). This variant has not been reported in the literature in individuals affected with CHST3-related conditions. This variant disrupts a region of the CHST3 protein in which other variant(s) (p.Leu286Trpfs*48) have been determined to be pathogenic (Invitae). This suggests that this is a clinically significant region of the protein, and that variants that disrupt it are likely to be disease-causing. For these reasons, this variant has been classified as Pathogenic.

NM_004273.5(CHST3):c.512_513del (p.Thr171fs)

Gene: CHST3 (carbohydrate sulfotransferase 3; plus strand). Cytogenetic location: 10q22.1.
Variant type: Microsatellite.
Coding change: c.512_513del on transcript NM_004273.5 (MANE Select); coding-DNA positions 512 to 513, 2 bases deleted (CA; older notation c.512_513delCA).
Protein change: p.Thr171fs; shifts the reading frame from threonine 171.
Molecular consequence: frameshift variant.
Genome position (GRCh38, 1-based): chr10:72,007,543-72,007,544, CA deleted; deleting any 2 consecutive bases within chr10:72,007,541-72,007,544 gives the same sequence; the c. name uses the placement nearest the transcript's 3' end. VCF-style (leftmost placement, unchanged base first): chr10-72007540-GCA-G. GRCh37 (hg19) VCF-style: chr10-73767298-GCA-G.
Other names: short protein forms T171fs.
Identifiers: ClinVar variation 632140 (VCV000632140.8), dbSNP rs1564532120, ClinGen allele CA913189617.
Genomic context (GRCh38, chr10:72,007,540, plus strand): 5'-AGTTCTTCAACCAGCAGGGCAACATCTTCTACCTCTTCGAGCCGCTGTGGCACATCGAGC[GCA>G]CAGTGTCCTTCGAGCCGGGGGGCGCCAACGCCGCGGGCTCGGCCCTGGTGTACCGCGACG-3'